The following is an entry in ClinVar:

ClinVar aggregate classification (germline): Uncertain significance (1 of 4 stars; one submission).

Conditions:
BAP1-related tumor predisposition syndrome (TPDS1). Also called: Tumor susceptibility linked to germline BAP1 mutations; BAP1 tumor predisposition syndrome; COMMON Syndrome; TUMOR PREDISPOSITION SYNDROME 1. Identifiers: Orphanet 289539, MedGen C3280492, MONDO:0013692, OMIM 614327.

Submission:

Labcorp Genetics (formerly Invitae), Labcorp
Classification: Uncertain significance for BAP1-related tumor predisposition syndrome. Last evaluated: 2021-12-17. Review status: criteria provided, single submitter. Criteria: Invitae Variant Classification Sherloc (09022015). Collection method: clinical testing. Allele origin: germline.
Comment: This sequence change replaces glutamic acid, which is acidic and polar, with glutamine, which is neutral and polar, at codon 314 of the BAP1 protein (p.Glu314Gln). In summary, the available evidence is currently insufficient to determine the role of this variant in disease. Therefore, it has been classified as a Variant of Uncertain Significance. Algorithms developed to predict the effect of missense changes on protein structure and function (SIFT, PolyPhen-2, Align-GVGD) all suggest that this variant is likely to be tolerated. This variant has not been reported in the literature in individuals affected with BAP1-related conditions. This variant is not present in population databases (gnomAD no frequency).

NM_004656.4(BAP1):c.940G>C (p.Glu314Gln)

Gene: BAP1 (BRCA1 associated deubiquitinase 1; minus strand). Cytogenetic location: 3p21.1.
Variant type: single nucleotide variant.
Coding change: c.940G>C on transcript NM_004656.4 (MANE Select); coding-DNA position 940, G replaced by C.
Protein change: p.Glu314Gln; replaces glutamic acid 314 with glutamine.
Molecular consequence: missense variant.
Genome position (GRCh38, 1-based): chr3:52,405,286, C>G on the plus strand (G>C on the coding strand, the complement: BAP1 is on the minus strand). VCF-style: chr3-52405286-C-G. GRCh37 (hg19) VCF-style: chr3-52439302-C-G.
Other names: c.886G>C, p.Glu296Gln (NM_001410772.1); short protein forms E314Q, E296Q.
Identifiers: ClinVar variation 2044494 (VCV002044494.4), dbSNP rs56238158, ClinGen allele CA353106349.